The following is an entry in ClinVar:

ClinVar aggregate classification (germline): Uncertain significance (1 of 4 stars; one submission).

gnomAD v4.1: 20 of 305,392 alleles (0.0065%); highest among the groups gnomAD compares: Non-Finnish European, 0.01%; no homozygotes.

Submission:

Dasa
Classification: Uncertain significance. Last evaluated: 2026-03-11. Review status: criteria provided, single submitter. Criteria: DASA Assertion Criteria. Collection method: clinical testing. Allele origin: germline.
Comment: NM_000161.3(GCH1):c.343+17226A>G is an intronic variant. This variant has been observed in affected individuals with GCH1-related disorders. Also, this variant is rare in population databases. The currently available literature and clinical evidence are not sufficient to establish a definitive association between this variant and the reported condition. Therefore, this variant is classified as a variant of uncertain significance.

NM_000161.3(GCH1):c.343+17226A>G

Gene: GCH1 (GTP cyclohydrolase 1; minus strand). Cytogenetic location: 14q22.2.
Variant type: single nucleotide variant.
Coding change: c.343+17226A>G on transcript NM_000161.3 (MANE Select); 17226 bases into the intron after coding-DNA position 343, A replaced by G.
Molecular consequence: intron variant.
Genome position (GRCh38, 1-based): chr14:54,885,095, T>C on the plus strand (A>G on the coding strand, the complement: GCH1 is on the minus strand). VCF-style: chr14-54885095-T-C. GRCh37 (hg19) VCF-style: chr14-55351813-T-C.
Other names: c.343+17226A>G (NM_001424104.1, NM_001024071.2, NM_001024070.2 and 1 more transcripts).
Identifiers: ClinVar variation 4883028 (VCV004883028.2).